The following is an entry in ClinVar:

NM_015665.6(AAAS):c.773G>A (p.Arg258Gln)

Gene: AAAS (aladin WD repeat nucleoporin; minus strand). Cytogenetic location: 12q13.13.
Variant type: single nucleotide variant.
Coding change: c.773G>A on transcript NM_015665.6 (MANE Select); coding-DNA position 773, G replaced by A.
Protein change: p.Arg258Gln; replaces arginine 258 with glutamine.
Molecular consequence: missense variant.
Genome position (GRCh38, 1-based): chr12:53,309,638, C>T on the plus strand (G>A on the coding strand, the complement: AAAS is on the minus strand). VCF-style: chr12-53309638-C-T. GRCh37 (hg19) VCF-style: chr12-53703422-C-T.
Other names: c.674G>A, p.Arg225Gln (NM_001173466.2); short protein forms R258Q, R225Q.
Identifiers: ClinVar variation 4562336 (VCV004562336.1).

ClinVar aggregate classification (germline): Uncertain significance (1 of 4 stars; one submission).

Conditions:
Inborn genetic diseases. Identifiers: MedGen C0950123, MeSH D030342.

Submission:

Ambry Genetics
Classification: Uncertain significance for Inborn genetic diseases. Last evaluated: 2025-12-09. Review status: criteria provided, single submitter. Criteria: Ambry Variant Classification Scheme 2023. Collection method: clinical testing. Allele origin: germline.
Comment: The c.773G>A (p.R258Q) alteration is located in exon 8 (coding exon 8) of the AAAS gene. This alteration results from a G to A substitution at nucleotide position 773, causing the arginine (R) at amino acid position 258 to be replaced by a glutamine (Q). Based on data from gnomAD, the A allele has an overall frequency of 0.001% (2/248226) total alleles studied. The highest observed frequency was 0.003% (1/30308) of South Asian alleles. Based on insufficient or conflicting evidence, the clinical significance of this alteration remains unclear.